The following is an entry in ClinVar:

ClinVar aggregate classification (germline): Likely benign (1 of 4 stars; one submission).

Allele frequency attached by ClinVar (database versions not stated): TOPMed 0.00002.

Submission:

GeneDx
Classification: Likely benign. Last evaluated: 2015-10-27. Review status: criteria provided, single submitter. Criteria: GeneDx Variant Classification (06012015). Collection method: clinical testing. Allele origin: germline. Affected: yes.
Comment: This variant is considered likely benign or benign based on one or more of the following criteria: it is a conservative change, it occurs at a poorly conserved position in the protein, it is predicted to be benign by multiple in silico algorithms, and/or has population frequency not consistent with disease.

NM_000391.3(TPP1):c.-33C>G

Gene: TPP1 (tripeptidyl peptidase 1; minus strand). Cytogenetic location: 11p15.4.
Variant type: single nucleotide variant.
Coding change: c.-33C>G on transcript NM_000391.3; 33 bases upstream of the start codon, C replaced by G.
Genome position (GRCh38, 1-based): chr11:6,619,433, G>C on the plus strand (C>G on the coding strand, the complement: TPP1 is on the minus strand). VCF-style: chr11-6619433-G-C. GRCh37 (hg19) VCF-style: chr11-6640664-G-C.
Identifiers: ClinVar variation 305516 (VCV000305516.7), dbSNP rs757508432, ClinGen allele CA5859119.